The following is an entry in ClinVar:

NM_000023.4(SGCA):c.1114C>T (p.Pro372Ser)

Gene: SGCA (sarcoglycan alpha; plus strand). Cytogenetic location: 17q21.33.
Variant type: single nucleotide variant.
Coding change: c.1114C>T on transcript NM_000023.4 (MANE Select); coding-DNA position 1114, C replaced by T.
Protein change: p.Pro372Ser; replaces proline 372 with serine.
Molecular consequence: missense variant. On other transcripts: non-coding transcript variant (1).
Genome position (GRCh38, 1-based): chr17:50,175,387, C>T. VCF-style: chr17-50175387-C-T. GRCh37 (hg19) VCF-style: chr17-48252748-C-T.
Other names: c.742C>T, p.Pro248Ser (NM_001135697.3); short protein forms P372S, P248S.
Identifiers: ClinVar variation 2076888 (VCV002076888.4), dbSNP rs1307963437, ClinGen allele CA400184480.

ClinVar aggregate classification (germline): Uncertain significance (1 of 4 stars; one submission).

Conditions:
Autosomal recessive limb-girdle muscular dystrophy type 2D (LGMDR3). Also called: MUSCULAR DYSTROPHY, LIMB-GIRDLE, AUTOSOMAL RECESSIVE 3; DUCHENNE-LIKE AUTOSOMAL RECESSIVE MUSCULAR DYSTROPHY, TYPE 2; ADHALINOPATHY, PRIMARY. Identifiers: Orphanet 62, MedGen C2936332, MONDO:0011968, OMIM 608099. Disease mechanism: Affects gamma-sarcoglycan and also disrupts the integrity of the entire sarcoglycan complex..

Submission:

Labcorp Genetics (formerly Invitae), Labcorp
Classification: Uncertain significance for Autosomal recessive limb-girdle muscular dystrophy type 2D. Last evaluated: 2022-11-22. Review status: criteria provided, single submitter. Criteria: Invitae Variant Classification Sherloc (09022015). Collection method: clinical testing. Allele origin: germline.
Comment: This sequence change replaces proline, which is neutral and non-polar, with serine, which is neutral and polar, at codon 372 of the SGCA protein (p.Pro372Ser). In summary, the available evidence is currently insufficient to determine the role of this variant in disease. Therefore, it has been classified as a Variant of Uncertain Significance. Advanced modeling of protein sequence and biophysical properties (such as structural, functional, and spatial information, amino acid conservation, physicochemical variation, residue mobility, and thermodynamic stability) performed at Invitae indicates that this missense variant is expected to disrupt SGCA protein function. This variant has not been reported in the literature in individuals affected with SGCA-related conditions. This variant is not present in population databases (gnomAD no frequency).